The following is an entry in ClinVar:

NM_030957.4(ADAMTS10):c.2125G>A (p.Glu709Lys)

Gene: ADAMTS10 (ADAM metallopeptidase with thrombospondin type 1 motif 10; minus strand). Cytogenetic location: 19p13.2.
Variant type: single nucleotide variant.
Coding change: c.2125G>A on transcript NM_030957.4 (MANE Select); coding-DNA position 2125, G replaced by A.
Protein change: p.Glu709Lys; replaces glutamic acid 709 with lysine.
Molecular consequence: missense variant.
Genome position (GRCh38, 1-based): chr19:8,589,275, C>T on the plus strand (G>A on the coding strand, the complement: ADAMTS10 is on the minus strand). VCF-style: chr19-8589275-C-T. GRCh37 (hg19) VCF-style: chr19-8654159-C-T.
Other names: c.586G>A, p.Glu196Lys (NM_001282352.2); short protein forms E709K, E196K.
Identifiers: ClinVar variation 330591 (VCV000330591.10), dbSNP rs550588972, ClinGen allele CA9160219.

ClinVar aggregate classification (germline): Uncertain significance. Review status: criteria provided, multiple submitters, no conflicts (2 of 4 stars). 2 submissions from 2 submitters: Uncertain significance (2). Last evaluated 2023-07-26.

Conditions:
Weill-Marchesani syndrome. Also called: WM Syndrome; Mesodermal dysmorphodystrophy congenital. Identifiers: Orphanet 3449, MedGen C0265313, MONDO:0018096.

Allele frequency attached by ClinVar (database versions not stated): TOPMed 0.00002; 1000 Genomes Project 0.00020; gnomAD exomes 0.00020; ExAC 0.00021; 1000 Genomes Project 30x 0.00062.
gnomAD v4.1: 144 of 1,612,516 alleles (0.0089%); highest among the groups gnomAD compares: South Asian, 0.13%; 1 homozygote.

Submissions (2):

Labcorp Genetics (formerly Invitae), Labcorp
Classification: Uncertain significance. Last evaluated: 2023-07-26. Review status: criteria provided, single submitter. Criteria: Invitae Variant Classification Sherloc (09022015). Collection method: clinical testing. Allele origin: germline.
Comment: In summary, the available evidence is currently insufficient to determine the role of this variant in disease. Therefore, it has been classified as a Variant of Uncertain Significance. An algorithm developed to predict the effect of missense changes on protein structure and function (PolyPhen-2) suggests that this variant is likely to be disruptive. ClinVar contains an entry for this variant (Variation ID: 330591). This variant has not been reported in the literature in individuals affected with ADAMTS10-related conditions. This variant is present in population databases (rs550588972, gnomAD 0.1%). This sequence change replaces glutamic acid, which is acidic and polar, with lysine, which is basic and polar, at codon 709 of the ADAMTS10 protein (p.Glu709Lys).

Illumina Laboratory Services, Illumina
Classification: Uncertain significance for Weill-Marchesani syndrome. Last evaluated: 2018-01-12. Review status: criteria provided, single submitter. Criteria: ICSL Variant Classification Criteria 13 December 2019. Collection method: clinical testing. Allele origin: germline.